The following is an entry in ClinVar:

NM_182760.4(SUMF1):c.243C>G (p.Pro81=)

Genes: SUMF1 (sulfatase modifying factor 1; minus strand), LOC129936056 (ATAC-STARR-seq lymphoblastoid silent region 14016; plus strand). Cytogenetic location: 3p26.1.
Variant type: single nucleotide variant.
Coding change: c.243C>G on transcript NM_182760.4 (MANE Select); coding-DNA position 243, C replaced by G.
Protein change: p.Pro81=; no amino-acid change (proline 81 retained).
Molecular consequence: synonymous variant.
Genome position (GRCh38, 1-based): chr3:4,467,003, G>C on the plus strand (C>G on the coding strand, the complement: SUMF1 is on the minus strand). VCF-style: chr3-4467003-G-C. GRCh37 (hg19) VCF-style: chr3-4508687-G-C.
Other names: c.243C>G, p.Pro81= (NM_001164674.2, NM_001164675.2); c.243C>G (NM_182760.3).
Identifiers: ClinVar variation 1110589 (VCV001110589.10), dbSNP rs763293580, ClinGen allele CA2230677.

ClinVar aggregate classification (germline): Likely benign. Review status: criteria provided, multiple submitters, no conflicts (2 of 4 stars). 3 submissions from 3 submitters: Likely benign (2). 1 of the submissions does not count toward it. Last evaluated 2026-01-11.

Conditions:
Multiple sulfatase deficiency (MSD). Also called: Multiple Sulfatase Deficiency Disease; Sulfatidosis, Juvenile, Austin Type; Mucosulfatidosis. Identifiers: Orphanet 585, MedGen C0268263, MONDO:0010088, OMIM 272200.
SUMF1-related disorder. Also called: SUMF1-related condition.

Allele frequency attached by ClinVar (database versions not stated): gnomAD exomes below 0.00001.
gnomAD v4.1: 1 of 1,598,098 alleles (0.000063%); highest among the groups gnomAD compares: Non-Finnish European, 0.000085%; no homozygotes.

Submissions (3):

Labcorp Genetics (formerly Invitae), Labcorp
Classification: Likely benign for Multiple sulfatase deficiency. Last evaluated: 2026-01-11. Review status: criteria provided, single submitter. Criteria: Invitae Variant Classification Sherloc (09022015). Collection method: clinical testing. Allele origin: germline.

Blueprint Genetics
Classification: Likely benign. Last evaluated: 2024-09-11. Review status: criteria provided, single submitter. Criteria: ACMG Guidelines, 2015. Collection method: clinical testing. Allele origin: germline.

PreventionGenetics, part of Exact Sciences
Classification: Likely benign for SUMF1-related condition. Last evaluated: 2023-06-28. Review status: no assertion criteria provided. Collection method: clinical testing. Allele origin: germline. Not counted in ClinVar's aggregate classification.
Comment: This variant is classified as likely benign based on ACMG/AMP sequence variant interpretation guidelines (Richards et al. 2015 PMID: 25741868, with internal and published modifications).